The following is an entry in ClinVar:

NM_000260.4(MYO7A):c.2694+58G>A

Gene: MYO7A (myosin VIIA; plus strand). Cytogenetic location: 11q13.5.
Variant type: single nucleotide variant.
Coding change: c.2694+58G>A on transcript NM_000260.4 (MANE Select); 58 bases into the intron after coding-DNA position 2694, G replaced by A.
Molecular consequence: intron variant.
Genome position (GRCh38, 1-based): chr11:77,180,539, G>A. VCF-style: chr11-77180539-G-A. GRCh37 (hg19) VCF-style: chr11-76891585-G-A.
Other names: c.2661+58G>A (NM_001369365.1); c.2694+58G>A (NM_001127180.2).
Identifiers: ClinVar variation 678826 (VCV000678826.2), dbSNP rs1109163, ClinGen allele CA13464821.
Genomic context (GRCh38, chr11:77,180,539, plus strand): 5'-CAGGTGAGCTGAGAGCCTCCAGGCACCTTAGGTGTCCACTTGCTGGCTTGTCCCCTCCCC[G>A]AGGCTGGCTTCTCATCTGTCACCCGGTGCTGCAGCCTTCCTTCCATCCTTCAGAATGGCC-3'

ClinVar aggregate classification (germline): Benign. Review status: criteria provided, multiple submitters, no conflicts (2 of 4 stars). 2 submissions from 2 submitters: Benign (2). Last evaluated 2018-06-13.

Allele frequency attached by ClinVar (database versions not stated): 1000 Genomes Project 0.51737; 1000 Genomes Project 30x 0.52092; gnomAD exomes 0.54721; gnomAD 0.55748 and 0.56570; TOPMed 0.56003.
gnomAD v4.1: 804,243 of 1,469,702 alleles (55%); highest among the groups gnomAD compares: Admixed American, 64%; 222,994 homozygotes.

Submissions (2):

GeneDx
Classification: Benign. Last evaluated: 2018-06-13. Review status: criteria provided, single submitter. Criteria: GeneDx Variant Classification (06012015). Collection method: clinical testing. Allele origin: germline. Affected: yes.
Comment: This variant is considered likely benign or benign based on one or more of the following criteria: it is a conservative change, it occurs at a poorly conserved position in the protein, it is predicted to be benign by multiple in silico algorithms, and/or has population frequency not consistent with disease.

Breakthrough Genomics
Classification: Benign. Review status: criteria provided, single submitter. Criteria: ACMG Guidelines, 2015. Collection method: not provided. Allele origin: germline. Inheritance: Autosomal recessive inheritance. Affected: yes.